The following is an entry in ClinVar:

NM_002618.4(PEX13):c.107del (p.Gly36fs)

Gene: PEX13 (peroxisomal biogenesis factor 13; plus strand). Cytogenetic location: 2p15.
Variant type: Deletion.
Coding change: c.107del on transcript NM_002618.4 (MANE Select); coding-DNA position 107, one base deleted (G; older notation c.107delG).
Protein change: p.Gly36fs; shifts the reading frame from glycine 36.
Molecular consequence: frameshift variant.
Genome position (GRCh38, 1-based): chr2:61,031,433, G deleted; the last of 3 consecutive G bases (chr2:61,031,431-61,031,433); deleting any one gives the same sequence. VCF-style (leftmost placement, unchanged base first): chr2-61031430-TG-T. GRCh37 (hg19) VCF-style: chr2-61258565-TG-T.
Other names: short protein forms G36fs.
Identifiers: ClinVar variation 3673489 (VCV003673489.2).

ClinVar aggregate classification (germline): Pathogenic (1 of 4 stars; one submission).

Conditions:
Peroxisome biogenesis disorder 11A (Zellweger). Also called: Peroxisome biogenesis disorder 11A. Identifiers: Orphanet 912, MedGen C3554000, MONDO:0013949, OMIM 614883.

Submission:

Labcorp Genetics (formerly Invitae), Labcorp
Classification: Pathogenic for Peroxisome biogenesis disorder 11A (Zellweger). Last evaluated: 2024-02-01. Review status: criteria provided, single submitter. Criteria: Invitae Variant Classification Sherloc (09022015). Collection method: clinical testing. Allele origin: germline.
Comment: This sequence change creates a premature translational stop signal (p.Gly36Valfs*4) in the PEX13 gene. It is expected to result in an absent or disrupted protein product. Loss-of-function variants in PEX13 are known to be pathogenic (PMID: 10332040, 21031596). This variant is not present in population databases (gnomAD no frequency). This variant has not been reported in the literature in individuals affected with PEX13-related conditions. For these reasons, this variant has been classified as Pathogenic.

Literature cited by the submitters: PubMed 10332040; PubMed 21031596.